The following is an entry in ClinVar:

ClinVar aggregate classification (germline): Uncertain significance. Review status: criteria provided, multiple submitters, no conflicts (2 of 4 stars). 4 submissions from 4 submitters: Uncertain significance (4). Last evaluated 2024-11-28.

Conditions:
Immunodeficiency 96 (IMD96). Identifiers: MedGen C5676930, MONDO:0030693, OMIM 619774.

Allele frequency attached by ClinVar (database versions not stated): 1000 Genomes Project 0.00020; ExAC 0.00020; TOPMed 0.00023; gnomAD 0.00026; 1000 Genomes Project 30x 0.00031; ESP Exome Variant Server 0.00054.
gnomAD v4.1: 426 of 1,613,528 alleles (0.026%); highest among the groups gnomAD compares: Middle Eastern, 0.083%; 2 homozygotes.

Submissions (4):

Blueprint Genetics
Classification: Uncertain significance. Last evaluated: 2024-11-28. Review status: criteria provided, single submitter. Criteria: ACMG Guidelines, 2015. Collection method: clinical testing. Allele origin: germline.

GeneDx
Classification: Uncertain significance. Last evaluated: 2022-11-25. Review status: criteria provided, single submitter. Criteria: GeneDx Variant Classification Process June 2021. Collection method: clinical testing. Allele origin: germline. Affected: yes.
Comment: Observed in the apparent homozygous state in a patient with likely primary immunodeficiency, but detailed clinical information was not provided and this individual was also reported to have a potentially causative variant in another gene (Platt et al., 2021); In silico analysis supports that this missense variant has a deleterious effect on protein structure/function; This variant is associated with the following publications: (PMID: 32888943)

Labcorp Genetics (formerly Invitae), Labcorp
Classification: Uncertain significance. Last evaluated: 2022-08-21. Review status: criteria provided, single submitter. Criteria: Invitae Variant Classification Sherloc (09022015). Collection method: clinical testing. Allele origin: germline.
Comment: This sequence change replaces arginine, which is basic and polar, with cysteine, which is neutral and slightly polar, at codon 672 of the LIG1 protein (p.Arg672Cys). This variant is present in population databases (rs55950593, gnomAD 0.03%). This missense change has been observed in individual(s) with primary immunodeficiency (PMID: 32888943). ClinVar contains an entry for this variant (Variation ID: 1521453). Algorithms developed to predict the effect of missense changes on protein structure and function are either unavailable or do not agree on the potential impact of this missense change (SIFT: "Deleterious"; PolyPhen-2: "Probably Damaging"; Align-GVGD: "Class C15"). In summary, the available evidence is currently insufficient to determine the role of this variant in disease. Therefore, it has been classified as a Variant of Uncertain Significance.

Fulgent Genetics
Classification: Uncertain significance for Immunodeficiency 96. Last evaluated: 2022-04-08. Review status: criteria provided, single submitter. Criteria: ACMG Guidelines, 2015. Collection method: clinical testing. Allele origin: unknown.

Literature cited by the submitters: PubMed 32888943 (cited by Labcorp Genetics (formerly Invitae), Labcorp).

NM_000234.3(LIG1):c.2014C>T (p.Arg672Cys)

Gene: LIG1 (DNA ligase 1; minus strand). Cytogenetic location: 19q13.33.
Variant type: single nucleotide variant.
Coding change: c.2014C>T on transcript NM_000234.3 (MANE Select); coding-DNA position 2014, C replaced by T.
Protein change: p.Arg672Cys; replaces arginine 672 with cysteine.
Molecular consequence: missense variant. On other transcripts: non-coding transcript variant (6).
Genome position (GRCh38, 1-based): chr19:48,123,309, G>A on the plus strand (C>T on the coding strand, the complement: LIG1 is on the minus strand). VCF-style: chr19-48123309-G-A. GRCh37 (hg19) VCF-style: chr19-48626566-G-A.
Other names: c.1921C>T, p.Arg641Cys (NM_001289063.2); c.1810C>T, p.Arg604Cys (NM_001289064.2); c.2011C>T, p.Arg671Cys (NM_001320970.2); c.1924C>T, p.Arg642Cys (NM_001320971.2); c.2014C>T (NM_000234.1); short protein forms R642C, R672C, R641C, R671C, R604C.
Identifiers: ClinVar variation 1521453 (VCV001521453.5), dbSNP rs55950593, ClinGen allele CA9546581.